The following is an entry in ClinVar:

ClinVar aggregate classification (germline): Uncertain significance. Review status: criteria provided, multiple submitters, no conflicts (2 of 4 stars). 7 submissions from 7 submitters: Uncertain significance (7). Last evaluated 2026-05-27.

Conditions:
PLEC-related disorder. Also called: PLEC-related condition; PLEC-related disorders.
Epidermolysis bullosa simplex 5B, with muscular dystrophy (EBS5B). Also called: EPIDERMOLYSIS BULLOSA SIMPLEX AND LIMB-GIRDLE MUSCULAR DYSTROPHY; Epidermolysis bullosa simplex with muscular dystrophy. Identifiers: Orphanet 257, MedGen C2931072, MONDO:0009181, OMIM 226670.
Junctional epidermolysis bullosa with pyloric atresia. Also called: ITGB4-Related Epidermolysis Bullosa with Pyloric Atresia; APLASIA CUTIS CONGENITA WITH GASTROINTESTINAL ATRESIA; CARMI SYNDROME; EB-PA-ACC; Epidermolysis bullosa, junctional, with pyloric atresia and aplasia cutis congenita; Epidermolysis bullosa junctionalis with pyloric atresia. Identifiers: Orphanet 79403, MedGen C5676875, MONDO:0009183, OMIM 226730.
Epidermolysis bullosa simplex, Ogna type (EBS5A). Also called: Pidermolysis bullosa simplex 5A, Ogna type; EPIDERMOLYSIS BULLOSA SIMPLEX 5A, OGNA TYPE. Identifiers: Orphanet 79401, MedGen C0432317, MONDO:0007555, OMIM 131950.
Autosomal recessive limb-girdle muscular dystrophy type 2Q (LGMDR17). Also called: MUSCULAR DYSTROPHY, LIMB-GIRDLE, AUTOSOMAL RECESSIVE 17. Identifiers: Orphanet 254361, MedGen C3150989, MONDO:0013390, OMIM 613723.
Epidermolysis bullosa simplex with nail dystrophy (EBS5D). Identifiers: MedGen C4225309, MONDO:0014661, OMIM 616487.
Epidermolysis bullosa simplex 5C, with pyloric atresia (EBS5C). Also called: PLEC-Related Epidermolysis Bullosa with Pyloric Atresia; Epidermolysis bullosa simplex with pyloric atresia; PLEC1-Related Epidermolysis Bullosa with Pyloric Atresia. Identifiers: Orphanet 158684, MedGen C2677349, MONDO:0012807, OMIM 612138.
Inborn genetic diseases. Identifiers: MedGen C0950123, MeSH D030342.

Allele frequency attached by ClinVar (database versions not stated): ExAC 0.00003; gnomAD exomes 0.00003; gnomAD 0.00004; TOPMed 0.00005.
gnomAD v4.1: 53 of 1,588,358 alleles (0.0033%); highest among the groups gnomAD compares: Admixed American, 0.0051%; no homozygotes.

Submissions (7):

PreventionGenetics, part of Exact Sciences
Classification: Uncertain significance for PLEC-related condition. Last evaluated: 2026-05-27. Review status: criteria provided, single submitter. Criteria: ACMG Guidelines, 2015. Collection method: clinical testing. Allele origin: germline.
Comment: The PLEC c.6164C>T variant is predicted to result in the amino acid substitution p.Ala2055Val. To our knowledge, this variant has not been reported in the literature. This variant is reported in 0.0049% of alleles in individuals of African descent in gnomAD. At this time, the clinical significance of this variant is uncertain due to the absence of conclusive functional and genetic evidence.

Blueprint Genetics
Classification: Uncertain significance. Last evaluated: 2024-10-01. Review status: criteria provided, single submitter. Criteria: ACMG Guidelines, 2015. Collection method: clinical testing. Allele origin: germline.

Labcorp Genetics (formerly Invitae), Labcorp
Classification: Uncertain significance for Autosomal recessive limb-girdle muscular dystrophy type 2Q; Epidermolysis bullosa simplex, Ogna type; Epidermolysis bullosa simplex with nail dystrophy; Epidermolysis bullosa simplex 5C, with pyloric atresia; Epidermolysis bullosa simplex 5B, with muscular dystrophy. Last evaluated: 2024-08-27. Review status: criteria provided, single submitter. Criteria: Invitae Variant Classification Sherloc (09022015). Collection method: clinical testing. Allele origin: germline.
Comment: This sequence change replaces alanine, which is neutral and non-polar, with valine, which is neutral and non-polar, at codon 2055 of the PLEC protein (p.Ala2055Val). The frequency data for this variant in the population databases is considered unreliable, as metrics indicate poor data quality at this position in the gnomAD database. This variant has not been reported in the literature in individuals affected with PLEC-related conditions. ClinVar contains an entry for this variant (Variation ID: 196754). An algorithm developed to predict the effect of missense changes on protein structure and function (PolyPhen-2) suggests that this variant is likely to be tolerated. In summary, the available evidence is currently insufficient to determine the role of this variant in disease. Therefore, it has been classified as a Variant of Uncertain Significance.

Revvity Omics, Revvity
Classification: Uncertain significance. Last evaluated: 2023-05-25. Review status: criteria provided, single submitter. Criteria: ACMG Guidelines, 2015. Collection method: clinical testing. Allele origin: germline.

Ambry Genetics
Classification: Uncertain significance for Inborn genetic diseases. Last evaluated: 2021-09-28. Review status: criteria provided, single submitter. Criteria: Ambry Variant Classification Scheme 2023. Collection method: clinical testing. Allele origin: germline.

Fulgent Genetics
Classification: Uncertain significance for Epidermolysis bullosa simplex, Ogna type; Epidermolysis bullosa simplex 5B, with muscular dystrophy; Junctional epidermolysis bullosa with pyloric atresia; Epidermolysis bullosa simplex 5C, with pyloric atresia; Autosomal recessive limb-girdle muscular dystrophy type 2Q; Epidermolysis bullosa simplex with nail dystrophy. Last evaluated: 2018-10-31. Review status: criteria provided, single submitter. Criteria: ACMG Guidelines, 2015. Collection method: clinical testing. Allele origin: unknown.

Eurofins Ntd Llc (ga)
Classification: Uncertain significance. Last evaluated: 2017-01-24. Review status: criteria provided, single submitter. Criteria: EGL Classification Definitions 2015. Collection method: clinical testing. Allele origin: germline. Observed: 2 variant alleles, 2 heterozygotes.

NM_201384.3(PLEC):c.6083C>T (p.Ala2028Val)

Gene: PLEC (plectin; minus strand). Cytogenetic location: 8q24.3.
Variant type: single nucleotide variant.
Coding change: c.6083C>T on transcript NM_201384.3 (MANE Select); coding-DNA position 6083, C replaced by T.
Protein change: p.Ala2028Val; replaces alanine 2028 with valine.
Molecular consequence: missense variant.
Genome position (GRCh38, 1-based): chr8:143,923,846, G>A on the plus strand (C>T on the coding strand, the complement: PLEC is on the minus strand). VCF-style: chr8-143923846-G-A. GRCh37 (hg19) VCF-style: chr8-144998014-G-A.
Other names: c.6164C>T (NM_000445.3); c.6164C>T, p.Ala2055Val (NM_000445.5); c.6041C>T, p.Ala2014Val (NM_201378.4); c.6017C>T, p.Ala2006Val (NM_201379.3); c.6494C>T, p.Ala2165Val (NM_201380.4); c.5987C>T, p.Ala1996Val (NM_201381.3); c.6083C>T, p.Ala2028Val (NM_201382.4); c.6095C>T, p.Ala2032Val (NM_201383.3); short protein forms A1996V, A2006V, A2014V, A2028V, A2032V, A2055V, A2165V.
Identifiers: ClinVar variation 196754 (VCV000196754.18), dbSNP rs781895825, ClinGen allele CA244020.